The following is an entry in ClinVar:

ClinVar aggregate classification (germline): Uncertain significance (1 of 4 stars; one submission).

Submission:

Labcorp Genetics (formerly Invitae), Labcorp
Classification: Uncertain significance. Last evaluated: 2022-08-23. Review status: criteria provided, single submitter. Criteria: Invitae Variant Classification Sherloc (09022015). Collection method: clinical testing. Allele origin: germline.
Comment: In summary, the available evidence is currently insufficient to determine the role of this variant in disease. Therefore, it has been classified as a Variant of Uncertain Significance. Algorithms developed to predict the effect of missense changes on protein structure and function are either unavailable or do not agree on the potential impact of this missense change (SIFT: "Deleterious"; PolyPhen-2: "Possibly Damaging"; Align-GVGD: "Class C0"). ClinVar contains an entry for this variant (Variation ID: 1431004). This variant has not been reported in the literature in individuals affected with TMEM126A-related conditions. This variant is not present in population databases (gnomAD no frequency). This sequence change replaces leucine, which is neutral and non-polar, with valine, which is neutral and non-polar, at codon 121 of the TMEM126A protein (p.Leu121Val).

NM_032273.4(TMEM126A):c.361T>G (p.Leu121Val)

Gene: TMEM126A (transmembrane protein 126A; plus strand). Cytogenetic location: 11q14.1.
Variant type: single nucleotide variant.
Coding change: c.361T>G on transcript NM_032273.4 (MANE Select); coding-DNA position 361, T replaced by G.
Protein change: p.Leu121Val; replaces leucine 121 with valine.
Molecular consequence: missense variant.
Genome position (GRCh38, 1-based): chr11:85,655,674, T>G. VCF-style: chr11-85655674-T-G. GRCh37 (hg19) VCF-style: chr11-85366718-T-G.
Other names: c.151T>G, p.Leu51Val (NM_001244735.2); short protein forms L51V, L121V.
Identifiers: ClinVar variation 1431004 (VCV001431004.8), dbSNP rs750349230, ClinGen allele CA381996918.